The following is an entry in ClinVar:

ClinVar aggregate classification (germline): Likely pathogenic (1 of 4 stars; one submission).

Conditions:
Hereditary thrombocytopenia and hematological cancer predisposition syndrome associated with RUNX1. Also called: PLATELET DISORDER, ASPIRIN-LIKE; RUNX1 Familial Platelet Disorder with Associated Myeloid Malignancies; Familial Platelet Disorder with Propensity to Acute Myelogenous Leukemia; Familial thrombocytopenia with propensity to acute myelogenous leukemia. Identifiers: Orphanet 71290, MedGen C1832388, MeSH C563324, MONDO:0100083, OMIM 601399.

Submission:

ISTH-SSC Genomics in Thrombosis and Hemostasis, KU Leuven, Center for Molecular and Vascular Biology
Classification: Likely pathogenic for Hereditary thrombocytopenia and hematological cancer predisposition syndrome associated with RUNX1. Review status: criteria provided, single submitter. Criteria: ACMG Guidelines, 2015. Collection method: clinical testing. Allele origin: unknown. Affected: yes.
Comment: Submitted to GoldVariant by Kathleen Freson, Center for Molecular and Vascular Biology, Leuven, Belgium

Literature cited by the submitters: PubMed 34355501.

NC_000021.9:g.34799252_36071979del

Genes: CBR1 (carbonyl reductase 1; plus strand), CBR1-AS1 (CBR1 antisense RNA 1; minus strand), LINC01436 (long independently transcribed non-coding RNA 1436; plus strand), MIR802 (microRNA 802; plus strand), RUNX1 (RUNX family transcription factor 1; minus strand) and 45 more. Cytogenetic location: 21q22.12.
Variant type: Deletion.
Identifiers: ClinVar variation 1338741 (VCV001338741.2).